The following is an entry in ClinVar:

NM_000092.5(COL4A4):c.3232G>A (p.Ala1078Thr)

Gene: COL4A4 (collagen type IV alpha 4 chain; minus strand). Cytogenetic location: 2q36.3.
Variant type: single nucleotide variant.
Coding change: c.3232G>A on transcript NM_000092.5 (MANE Select); coding-DNA position 3232, G replaced by A.
Protein change: p.Ala1078Thr; replaces alanine 1078 with threonine.
Molecular consequence: missense variant.
Genome position (GRCh38, 1-based): chr2:227,047,532, C>T on the plus strand (G>A on the coding strand, the complement: COL4A4 is on the minus strand). VCF-style: chr2-227047532-C-T. GRCh37 (hg19) VCF-style: chr2-227912248-C-T.
Other names: short protein forms A1078T.
Identifiers: ClinVar variation 667045 (VCV000667045.46), dbSNP rs77277077, ClinGen allele CA2144585.

ClinVar aggregate classification (germline): Benign/Likely benign. Review status: criteria provided, multiple submitters, no conflicts (2 of 4 stars). 9 submissions from 9 submitters: Benign (7); Likely benign (1). 1 of the submissions does not count toward it. Last evaluated 2026-02-04.

Conditions:
Alport syndrome. Also called: Hemorrhagic familial nephritis; Hemorrhagic hereditary nephritis; Congenital hereditary hematuria. Identifiers: Orphanet 63, MedGen C1567741, MONDO:0018965.
Kidney disorder. Also called: Nephropathy; Kidney Diseases; renal disorder; renal disease; Kidney disease. Identifiers: MedGen C0022658, MONDO:0005240, HP:0000112.

Allele frequency attached by ClinVar (database versions not stated): gnomAD exomes 0.00058 and 0.00143; ExAC 0.00165; ESP Exome Variant Server 0.00564; 1000 Genomes Project 30x 0.00578; 1000 Genomes Project 0.00579; gnomAD 0.00592 and 0.00631; TOPMed 0.00632.
gnomAD v4.1: 1,805 of 1,613,466 alleles (0.11%); highest among the groups gnomAD compares: African/African-American, 2%; 20 homozygotes.

Submissions (9):

Labcorp Genetics (formerly Invitae), Labcorp
Classification: Benign. Last evaluated: 2026-02-04. Review status: criteria provided, single submitter. Criteria: Invitae Variant Classification Sherloc (09022015). Collection method: clinical testing. Allele origin: germline.

CeGaT Center for Human Genetics Tuebingen
Classification: Benign. Last evaluated: 2026-01-01. Review status: criteria provided, single submitter. Criteria: CeGaT Center For Human Genetics Tuebingen Variant Classification Criteria Version 2. Collection method: clinical testing. Allele origin: germline. Affected: yes. Observed: 3 variant alleles.
Comment: COL4A4: BS1, BS2

Genomic Medicine Center of Excellence, King Faisal Specialist Hospital and Research Centre
Classification: Likely benign. Last evaluated: 2025-08-18. Review status: criteria provided, single submitter. Criteria: ACMG Guidelines, 2015. Collection method: clinical testing. Allele origin: germline.

Athena Diagnostics
Classification: Benign. Last evaluated: 2024-07-30. Review status: criteria provided, single submitter. Criteria: Athena Diagnostics Criteria. Collection method: clinical testing. Allele origin: unknown.

Genome Diagnostics Laboratory, The Hospital for Sick Children
Classification: Benign for Kidney disorder. Last evaluated: 2018-05-01. Review status: criteria provided, single submitter. Criteria: ACMG Guidelines, 2015. Collection method: clinical testing. Allele origin: germline.

GeneDx
Classification: Benign. Last evaluated: 2018-04-26. Review status: criteria provided, single submitter. Criteria: GeneDx Variant Classification (06012015). Collection method: clinical testing. Allele origin: germline. Affected: yes.
Comment: This variant is considered likely benign or benign based on one or more of the following criteria: it is a conservative change, it occurs at a poorly conserved position in the protein, it is predicted to be benign by multiple in silico algorithms, and/or has population frequency not consistent with disease.

Laboratory for Molecular Medicine, Mass General Brigham Personalized Medicine
Classification: Benign. Last evaluated: 2016-03-21. Review status: criteria provided, single submitter. Criteria: LMM Criteria. Collection method: clinical testing. Allele origin: germline. Observed: 1 variant allele.
Comment: p.Ala1078Thr in exon 35 of COL4A4: This variant is not expected to have clinical significance because it has been identified in 1.85% (177/9562) of African chro mosomes by the Exome Aggregation Consortium (ExAC, g; dbSNP rs77277077).

Breakthrough Genomics
Classification: Benign. Review status: criteria provided, single submitter. Criteria: ACMG Guidelines, 2015. Collection method: not provided. Allele origin: germline. Inheritance: Autosomal recessive inheritance. Affected: yes.

Natera, Inc.
Classification: Benign for Alport syndrome. Last evaluated: 2020-01-05. Review status: no assertion criteria provided. Collection method: clinical testing. Allele origin: germline. Not counted in ClinVar's aggregate classification.

Literature cited by the submitters: PubMed 29924831 (cited by Athena Diagnostics); PubMed 27365461 (cited by Athena Diagnostics).